The following is an entry in ClinVar:

NM_017636.4(TRPM4):c.2136A>G (p.Lys712=)

Gene: TRPM4 (transient receptor potential cation channel subfamily M member 4; plus strand). Cytogenetic location: 19q13.33.
Variant type: single nucleotide variant.
Coding change: c.2136A>G on transcript NM_017636.4 (MANE Select); coding-DNA position 2136, A replaced by G.
Protein change: p.Lys712=; no amino-acid change (lysine 712 retained).
Molecular consequence: synonymous variant.
Genome position (GRCh38, 1-based): chr19:49,190,699, A>G. VCF-style: chr19-49190699-A-G. GRCh37 (hg19) VCF-style: chr19-49693956-A-G.
Other names: c.2136A>G (NM_017636.3); c.2136A>G, p.Lys712= (NM_001195227.2); c.1791A>G, p.Lys597= (NM_001321281.2); c.528A>G, p.Lys176= (NM_001321282.2); c.1614A>G, p.Lys538= (NM_001321283.2); c.1074A>G, p.Lys358= (NM_001321285.2).
Identifiers: ClinVar variation 1561640 (VCV001561640.9), dbSNP rs368500945, ClinGen allele CA309450330.

ClinVar aggregate classification (germline): Conflicting classifications of pathogenicity. Review status: criteria provided, conflicting classifications (1 of 4 stars). 2 submissions from 2 submitters: Uncertain significance (1); Likely benign (1). Last evaluated 2023-05-18.

Conditions:
Cardiovascular phenotype. Identifiers: MedGen CN230736.
Progressive familial heart block type IB (PFHB1B). Identifiers: Orphanet 871, MedGen C1970298, MONDO:0011474, OMIM 604559.

Allele frequency attached by ClinVar (database versions not stated): gnomAD exomes below 0.00001; TOPMed below 0.00001; gnomAD 0.00001; ESP Exome Variant Server 0.00008.
gnomAD v4.1: 3 of 1,613,996 alleles (0.00019%); highest among the groups gnomAD compares: African/African-American, 0.004%; no homozygotes.

Submissions (2):

Ambry Genetics
Classification: Uncertain significance for Cardiovascular phenotype. Last evaluated: 2023-05-18. Review status: criteria provided, single submitter. Criteria: Ambry Variant Classification Scheme 2023. Collection method: clinical testing. Allele origin: germline.
Comment: The c.2136A>G variant (also known as p.K712K), located in coding exon 16 of the TRPM4 gene, results from an A to G substitution at nucleotide position 2136. This nucleotide substitution does not change the lysine at codon 712. This nucleotide position is poorly conserved in available vertebrate species. In silico splice site analysis for this alteration is inconclusive. Since supporting evidence is limited at this time, the clinical significance of this alteration remains unclear.

Labcorp Genetics (formerly Invitae), Labcorp
Classification: Likely benign for Progressive familial heart block type IB. Last evaluated: 2022-06-09. Review status: criteria provided, single submitter. Criteria: Invitae Variant Classification Sherloc (09022015). Collection method: clinical testing. Allele origin: germline.